The following is an entry in ClinVar:

NM_005609.4(PYGM):c.244-5G>T

Gene: PYGM (glycogen phosphorylase, muscle associated; minus strand). Cytogenetic location: 11q13.1.
Variant type: single nucleotide variant.
Coding change: c.244-5G>T on transcript NM_005609.4 (MANE Select); 5 bases into the intron before coding-DNA position 244, G replaced by T.
Molecular consequence: intron variant.
Genome position (GRCh38, 1-based): chr11:64,758,709, C>A on the plus strand (G>T on the coding strand, the complement: PYGM is on the minus strand). VCF-style: chr11-64758709-C-A. GRCh37 (hg19) VCF-style: chr11-64526181-C-A.
Other names: c.244-443G>T (NM_001164716.1).
Identifiers: ClinVar variation 513244 (VCV000513244.1), dbSNP rs772197464, ClinGen allele CA658797678.

ClinVar aggregate classification (germline): Likely benign (1 of 4 stars; one submission).

Submission:

GeneDx
Classification: Likely benign. Last evaluated: 2017-11-21. Review status: criteria provided, single submitter. Criteria: GeneDx Variant Classification (06012015). Collection method: clinical testing. Allele origin: germline. Affected: yes.
Comment: This variant is considered likely benign or benign based on one or more of the following criteria: it is a conservative change, it occurs at a poorly conserved position in the protein, it is predicted to be benign by multiple in silico algorithms, and/or has population frequency not consistent with disease.